The following is an entry in ClinVar:

ClinVar aggregate classification (germline): Likely pathogenic. Review status: criteria provided, multiple submitters, no conflicts (2 of 4 stars). 2 submissions from 2 submitters: Likely pathogenic (2). Last evaluated 2024-09-23.

Conditions:
X-linked Alport syndrome (ATS1). Also called: COL4A5-Related Nephropathy; NEPHROPATHY AND DEAFNESS, X-LINKED. Identifiers: Orphanet 63, Orphanet 88917, MedGen C4746986, MONDO:0010520, OMIM 301050.

Submissions (2):

Victorian Clinical Genetics Services, Murdoch Childrens Research Institute
Classification: Likely pathogenic for X-linked Alport syndrome. Last evaluated: 2024-09-23. Review status: criteria provided, single submitter. Criteria: ACMG Guidelines, 2015. Collection method: clinical testing. Allele origin: germline. Inheritance: X-linked dominant inheritance. Affected: yes.
Comment: Based on the classification scheme VCGS_Germline_v1.3.4, this variant is classified as Likely Pathogenic. Following criteria are met: 0103 - Dominant negative and loss of function are known mechanisms of disease in this gene and are associated with X-linked Alport syndrome 1 (MIM#301050). Dominant negative is caused mostly by glycine substitutions that affect the conformation of the protein, and loss of function can be caused by either protein truncating or missense variants (PMID: 24046192, 12028435). (I) 0110 - This gene is associated with X-linked dominant disease. Males are typically more severely affected than females (PMID: 19965530). (I) 0200 - Variant is predicted to result in a missense amino acid change from glycine to arginine. (I) 0251 - This variant is heterozygous. (I) 0301 - Variant is absent from gnomAD (both v2 and v3). (SP) 0501 - Missense variant consistently predicted to be damaging by multiple in silico tools or highly conserved with a major amino acid change. (SP) 0601 - Variant is located in the well-established functional Gly-X-Y motif in the collagen triple helical domain (DECIPHER). (SP) 0705 - No comparable missense variants have previous evidence for pathogenicity. (SP) 1007 - No published functional evidence has been identified for this variant. (I) 1208 - Inheritance information for this variant is not currently available in this individual. (I) Legend: (SP) - Supporting pathogenic, (I) - Information, (SB) - Supporting benign

Labcorp Genetics (formerly Invitae), Labcorp
Classification: Likely pathogenic. Last evaluated: 2023-10-11. Review status: criteria provided, single submitter. Criteria: Invitae Variant Classification Sherloc (09022015). Collection method: clinical testing. Allele origin: germline.
Comment: This sequence change replaces glycine, which is neutral and non-polar, with arginine, which is basic and polar, at codon 99 of the COL4A5 protein (p.Gly99Arg). This variant is not present in population databases (gnomAD no frequency). This missense change has been observed in individual(s) with clinical features of COL4A5-related condition (PMID: 32939031). ClinVar contains an entry for this variant (Variation ID: 975062). Advanced modeling of protein sequence and biophysical properties (such as structural, functional, and spatial information, amino acid conservation, physicochemical variation, residue mobility, and thermodynamic stability) performed at Invitae indicates that this missense variant is expected to disrupt COL4A5 protein function. This variant disrupts the triple helix domain of COL4A5. Glycine residues within the Gly-Xaa-Yaa repeats of the triple helix domain are required for the structure and stability of fibrillar collagens (PMID: 7695699, 8218237, 19344236). In COL4A5, missense variants at these glycine residues are significantly enriched in individuals with disease (PMID: 23720012, 27627812) compared to the general population (ExAC). In summary, the currently available evidence indicates that the variant is pathogenic, but additional data are needed to prove that conclusively. Therefore, this variant has been classified as Likely Pathogenic.

Literature cited by the submitters: PubMed 12028435 (cited by Victorian Clinical Genetics Services, Murdoch Childrens Research Institute); PubMed 19965530 (cited by Victorian Clinical Genetics Services, Murdoch Childrens Research Institute); PubMed 24046192 (cited by Victorian Clinical Genetics Services, Murdoch Childrens Research Institute); PubMed 32939031 (cited by Labcorp Genetics (formerly Invitae), Labcorp); PubMed 7695699 (cited by Labcorp Genetics (formerly Invitae), Labcorp); PubMed 8218237 (cited by Labcorp Genetics (formerly Invitae), Labcorp); PubMed 19344236 (cited by Labcorp Genetics (formerly Invitae), Labcorp); PubMed 23720012 (cited by Labcorp Genetics (formerly Invitae), Labcorp); PubMed 27627812 (cited by Labcorp Genetics (formerly Invitae), Labcorp).

NM_033380.3(COL4A5):c.295G>A (p.Gly99Arg)

Gene: COL4A5 (collagen type IV alpha 5 chain; plus strand). Cytogenetic location: Xq22.3.
Variant type: single nucleotide variant.
Coding change: c.295G>A on transcript NM_033380.3 (MANE Select); coding-DNA position 295, G replaced by A.
Protein change: p.Gly99Arg; replaces glycine 99 with arginine.
Molecular consequence: missense variant.
Genome position (GRCh38, 1-based): chrX:108,568,647, G>A. VCF-style: chrX-108568647-G-A. GRCh37 (hg19) VCF-style: chrX-107811877-G-A.
Other names: c.295G>A, p.Gly99Arg (NM_000495.5); c.295G>A (NM_033380.2); short protein forms G99R.
Identifiers: ClinVar variation 975062 (VCV000975062.8), dbSNP rs2066011417, ClinGen allele CA413917805.
Genomic context (GRCh38, chrX:108,568,647, plus strand): 5'-ATGGGTTGTCATTTAGTTTAAGGATTTTATTTCTTCTTATAGGGTCCTCCTGGACTTCCT[G>A]GATTTCCAGGGACACCAGGTCTTCCTGTAAGTAGCATTTCACTTTTTACTTTGAAATCTC-3'
Protein context (NP_203699.1, residues 89-109): KGIRGPPGLP[Gly99Arg]FPGTPGLPGM